The following is an entry in ClinVar:

ClinVar aggregate classification (germline): Uncertain significance (1 of 4 stars; one submission).

Conditions:
Rubinstein-Taybi syndrome due to EP300 haploinsufficiency. Also called: EP300-Related Rubinstein-Taybi Syndrome; RUBINSTEIN-TAYBI SYNDROME 2. Identifiers: Orphanet 353284, Orphanet 783, MedGen C3150941, MONDO:0013364, OMIM 613684.

Submission:

Labcorp Genetics (formerly Invitae), Labcorp
Classification: Uncertain significance for Rubinstein-Taybi syndrome due to EP300 haploinsufficiency. Last evaluated: 2022-05-05. Review status: criteria provided, single submitter. Criteria: Invitae Variant Classification Sherloc (09022015). Collection method: clinical testing. Allele origin: germline.
Comment: This sequence change replaces asparagine, which is neutral and polar, with aspartic acid, which is acidic and polar, at codon 2379 of the EP300 protein (p.Asn2379Asp). This variant is not present in population databases (gnomAD no frequency). In summary, the available evidence is currently insufficient to determine the role of this variant in disease. Therefore, it has been classified as a Variant of Uncertain Significance. Advanced modeling of protein sequence and biophysical properties (such as structural, functional, and spatial information, amino acid conservation, physicochemical variation, residue mobility, and thermodynamic stability) performed at Invitae indicates that this missense variant is not expected to disrupt EP300 protein function. This variant has not been reported in the literature in individuals affected with EP300-related conditions.

NM_001429.4(EP300):c.7135A>G (p.Asn2379Asp)

Gene: EP300 (EP300 lysine acetyltransferase; plus strand). Cytogenetic location: 22q13.2.
Variant type: single nucleotide variant.
Coding change: c.7135A>G on transcript NM_001429.4 (MANE Select); coding-DNA position 7135, A replaced by G.
Protein change: p.Asn2379Asp; replaces asparagine 2379 with aspartic acid.
Molecular consequence: missense variant.
Genome position (GRCh38, 1-based): chr22:41,178,846, A>G. VCF-style: chr22-41178846-A-G. GRCh37 (hg19) VCF-style: chr22-41574850-A-G.
Other names: c.7057A>G, p.Asn2353Asp (NM_001362843.2); short protein forms N2353D, N2379D.
Identifiers: ClinVar variation 1978066 (VCV001978066.5), dbSNP rs202225885, ClinGen allele CA411684531.